The following is an entry in ClinVar:

ClinVar aggregate classification (germline): Pathogenic/Likely pathogenic. Review status: criteria provided, multiple submitters, no conflicts (2 of 4 stars). 25 submissions from 25 submitters: Pathogenic (13); Likely pathogenic (5). 7 of the submissions do not count toward it. Last evaluated 2026-09-25.

Conditions:
Alzheimer disease type 1 (AD1). Also called: ALZHEIMER DISEASE, FAMILIAL, 1; ALZHEIMER DISEASE, FAMILIAL, 1, AUTOSOMAL RECESSIVE. Identifiers: MedGen C1863052, MONDO:0007088, OMIM 104300.
Myeloperoxidase deficiency (MPOD). Also called: MPO DEFICIENCY; Myeloperoxidase deficiency syndrome. Identifiers: Orphanet 2587, MedGen C0398595, MONDO:0009694, OMIM 254600.
MPO-related disorder. Also called: MPO-related condition.

Allele frequency attached by ClinVar (database versions not stated): 1000 Genomes Project 30x 0.00062; 1000 Genomes Project 0.00080; TOPMed 0.00400; ExAC 0.00426; gnomAD exomes 0.00437 and 0.00568; gnomAD 0.00456 and 0.00472; ESP Exome Variant Server 0.00523.
gnomAD v4.1: 8,943 of 1,612,874 alleles (0.55%); highest among the groups gnomAD compares: Non-Finnish European, 0.66%; 25 homozygotes.

Submissions 1 to 18 of 32:

GeneDx
Classification: Pathogenic. Last evaluated: 2026-09-25. Review status: criteria provided, single submitter. Criteria: GeneDx Variant Classification Process June 2021. Collection method: clinical testing. Allele origin: germline.
Comment: Reported as a heterozygous germline variant in multiple individuals with myeloid neoplasms (PMID: 35761024); Canonical splice site variant predicted to result in an in-frame loss of the adjacent exon in a gene for which loss of function is a known mechanism of disease; Splice site variant that destroys the canonical splice acceptor site in intron 11, and causes the activation of a cryptic splice site located 109 nucleotides upstream of the authentic splice site (PMID: 15108282); This variant is associated with the following publications: (PMID: 20974672, 25714468, 34662886, 35026467, 24385801, 17384005, 15108282, 26764160, 26822949, 27301573, 27827828, 30487145, 31980526, 32758448, 34426522, 32531373, 35761024, 36730508, 37868038, 38170104, 32758447, 38523675, 39333051, 39992598, 40601008, 40422899, 12773517)

OLLIN Analises Genomicas, OLLIN
Classification: Pathogenic for Myeloperoxidase deficiency. Last evaluated: 2026-08-06. Review status: criteria provided, single submitter. Criteria: ACMG Guidelines 2015 PMID 25741868. Collection method: clinical testing. Allele origin: germline. Inheritance: Autosomal recessive inheritance.
Comment: This variant, located at the canonical splicing site (splice acceptor), has been reported in ClinVar (accession VCV000003632.77) and in gnomAD with an allele frequency of 0.55%. However, to our knowledge, it has not been reported in the scientific literature. This variant is predicted to disrupt a canonical splice site, potentially leading to exon skipping, mRNA degradation via nonsense-mediated decay (NMD), or production of a truncated protein. According to the currently available evidence, this variant has been classified as pathogenic (PVS1, PS4, PM3).

PreventionGenetics, part of Exact Sciences
Classification: Pathogenic for MPO-related condition. Last evaluated: 2026-04-08. Review status: criteria provided, single submitter. Criteria: ACMG Guidelines, 2015. Collection method: clinical testing. Allele origin: germline.
Comment: The MPO c.2031-2A>C variant is predicted to disrupt the AG splice acceptor site and interfere with normal splicing. This variant has been reported to be causative for autosomal recessive myeloperoxidase deficiency (Marchetti et al. 2004. PubMed ID: 15108282; Vergnano et al. 2020. PubMed ID: 32758448). This variant is reported in 1.3% of alleles in individuals of Ashkenazi Jewish descent in gnomAD. Variants that disrupt the consensus splice acceptor site in MPO are expected to be pathogenic, and this variant has been classified as pathogenic or likely pathogenic by multiple independent submitters to the ClinVar database (Variation ID:3632). This variant is interpreted as pathogenic.

CeGaT Center for Human Genetics Tuebingen
Classification: Likely pathogenic. Last evaluated: 2026-04-01. Review status: criteria provided, single submitter. Criteria: CeGaT Center For Human Genetics Tuebingen Variant Classification Criteria Version 2. Collection method: clinical testing. Allele origin: germline. Affected: yes. Observed: 9 variant alleles.
Comment: MPO: PM3, PS3:Moderate, PM2:Supporting, PP3

Dasa
Classification: Pathogenic. Last evaluated: 2026-03-17. Review status: criteria provided, single submitter. Criteria: DASA Assertion Criteria. Collection method: clinical testing. Allele origin: germline.
Comment: NM_000250.2(MPO):c.2031-2A>C affects a canonical splice site and is predicted to disrupt normal RNA splicing, leading to loss of normal protein function. Loss-of-function is an established mechanism of disease for this gene. This variant has been recurrently observed in individuals with related phenotype (PMID: 32758448; PMID: 33955502; PMID: 15108282). The variant is present at low frequency in population datasets. Based on the available data, this variant is classified as pathogenic.

Revvity Omics, Revvity
Classification: Likely pathogenic for Myeloperoxidase deficiency. Last evaluated: 2025-02-27. Review status: criteria provided, single submitter. Criteria: ACMG Guidelines, 2015. Collection method: clinical testing. Allele origin: germline.

Laboratory of Genetics, Children's Clinical University Hospital Latvia
Classification: Pathogenic. Last evaluated: 2025-02-16. Review status: criteria provided, single submitter. Criteria: ACMG Guidelines, 2015. Collection method: clinical testing. Allele origin: germline. Affected: yes.

First Genomix Gene Laboratory, Genetic Diagnostics Department
Classification: Pathogenic for Myeloperoxidase deficiency. Last evaluated: 2025-01-09. Review status: criteria provided, single submitter. Criteria: ACMG Guidelines, 2015. Collection method: clinical testing. Allele origin: germline. Inheritance: Autosomal recessive inheritance. Affected: no. Observed: 1 variant allele.

Blueprint Genetics
Classification: Pathogenic for MPO-related disorders. Last evaluated: 2024-11-27. Review status: criteria provided, single submitter. Criteria: ACMG Guidelines, 2015. Collection method: clinical testing. Allele origin: de novo. Affected: yes. Observed: 5 variant alleles.

Genomic Medicine Center of Excellence, King Faisal Specialist Hospital and Research Centre
Classification: Pathogenic for Myeloperoxidase deficiency. Last evaluated: 2024-03-26. Review status: criteria provided, single submitter. Criteria: ACMG Guidelines, 2015. Collection method: clinical testing. Allele origin: germline.

Department of Pathology and Laboratory Medicine, Sinai Health System
Classification: Pathogenic for Myeloperoxidase deficiency. Last evaluated: 2023-07-25. Review status: criteria provided, single submitter. Criteria: ACMG Guidelines, 2015. Collection method: research. Allele origin: germline.

Payam Genetics Center, General Welfare Department of North Khorasan Province
Classification: Pathogenic for Myeloperoxidase deficiency. Last evaluated: 2023-03-01. Review status: criteria provided, single submitter. Criteria: ACMG Guidelines, 2015. Collection method: clinical testing. Allele origin: germline. Observed: 1 variant allele.

Fulgent Genetics
Classification: Pathogenic for Alzheimer disease type 1; Myeloperoxidase deficiency. Last evaluated: 2022-04-12. Review status: criteria provided, single submitter. Criteria: ACMG Guidelines, 2015. Collection method: clinical testing. Allele origin: unknown.

AiLife Diagnostics
Classification: Likely pathogenic. Last evaluated: 2022-03-30. Review status: criteria provided, single submitter. Criteria: ACMG Guidelines, 2015. Collection method: clinical testing. Allele origin: germline. Affected: yes. Observed: 3 variant alleles.

Institute for Clinical Genetics, University Hospital TU Dresden, University Hospital TU Dresden
Classification: Pathogenic. Last evaluated: 2021-11-03. Review status: criteria provided, single submitter. Criteria: ACMG Guidelines, 2015. Collection method: clinical testing. Allele origin: germline.

Knight Diagnostic Laboratories, Oregon Health and Sciences University
Classification: Likely pathogenic for Myeloperoxidase deficiency. Last evaluated: 2019-07-08. Review status: criteria provided, single submitter. Criteria: ACMG Guidelines, 2015. Collection method: clinical testing. Allele origin: germline. Observed: 1 variant allele.

Institute of Human Genetics, University of Leipzig Medical Center
Classification: Likely pathogenic for Myeloperoxidase deficiency. Last evaluated: 2019-01-01. Review status: criteria provided, single submitter. Criteria: ACMG Guidelines, 2015. Collection method: clinical testing. Allele origin: unknown. Affected: yes.
Comment: This variant was identified as compound heterozygous.

Laboratory for Molecular Medicine, Mass General Brigham Personalized Medicine
Classification: Pathogenic for Myeloperoxidase deficiency. Last evaluated: 2014-09-26. Review status: criteria provided, single submitter. Criteria: LMM Criteria. Collection method: clinical testing. Allele origin: germline. Inheritance: Autosomal recessive inheritance. Observed: 2 variant alleles. Study: CSER-MedSeq.
Comment: The 2031-2A>C variant in MPO has been previously identified in 1 compound heterozygous and 2 homozygous individuals with myeloperoxidase deficiency (Marchetti 2004). This variant is located in the 3' splice region and functional studies indicate that this variant leads to altered splicing (Marchetti 2004). In summary, the 2031-2A>C variant meets our criteria to be considered causative for myeloperoxidase deficiency (MPOD) in a recessive manner. However, the clinical relevance of MPOD is not well-established.

NM_000250.2(MPO):c.2031-2A>C

Genes: LPO (lactoperoxidase; plus strand), MPO (myeloperoxidase; minus strand). Cytogenetic location: 17q22.
Variant type: single nucleotide variant.
Coding change: c.2031-2A>C on transcript NM_000250.2 (MANE Select); the canonical splice acceptor site of the intron before coding-DNA position 2031, A replaced by C.
Molecular consequence: splice acceptor variant.
Genome position (GRCh38, 1-based): chr17:58,270,865, T>G on the plus strand (A>C on the coding strand, the complement: MPO is on the minus strand). VCF-style: chr17-58270865-T-G. GRCh37 (hg19) VCF-style: chr17-56348226-T-G.
Other names: IVS11AS, A-C, -2.
Identifiers: ClinVar variation 3632 (VCV000003632.81), dbSNP rs35897051, ClinGen allele CA212810.
Genomic context (GRCh38, chr17:58,270,865, plus strand): 5'-TCTGGGCCAGGGCCTGTCGCTGCTGCATGCTGAACACACCCTCGTTCTCCCACCAAAACC[T>G]GCATGGGGAACACCCATGGACACTGTGCCCAAGGATATTCTGGGCTGGCAGGGCATCGAT-3'